The following is an entry in ClinVar:

NM_000038.6(APC):c.3914_3916del (p.Ala1305del)

Gene: APC (APC regulator of Wnt signaling pathway; plus strand). Cytogenetic location: 5q22.2.
Variant type: Deletion.
Coding change: c.3914_3916del on transcript NM_000038.6 (MANE Select); coding-DNA positions 3914 to 3916, 3 bases deleted (CAG; older notation c.3914_3916delCAG).
Protein change: p.Ala1305del; deletes alanine 1305.
Molecular consequence: non-coding transcript variant (on NR_176365.1).
Genome position (GRCh38, 1-based): chr5:112,839,508-112,839,510, CAG deleted; deleting any 3 consecutive bases within chr5:112,839,506-112,839,510 gives the same sequence; the c. name uses the placement nearest the transcript's 3' end. VCF-style (leftmost placement, unchanged base first): chr5-112839505-TAGC-T. GRCh37 (hg19) VCF-style: chr5-112175202-TAGC-T.
Other names: c.3914_3916del, p.Ala1305del (NM_001127510.3, NM_001354895.2, NM_001407450.1); c.3860_3862del, p.Ala1287del (NM_001127511.3); c.3968_3970del, p.Ala1323del (NM_001354896.2, NM_001407447.1, NM_001407448.1 and 1 more transcripts); c.3944_3946del, p.Ala1315del (NM_001354897.2); c.3839_3841del, p.Ala1280del (NM_001354898.2); c.3830_3832del, p.Ala1277del (NM_001354899.2); c.3791_3793del, p.Ala1264del (NM_001354900.2); c.3737_3739del, p.Ala1246del (NM_001354901.2, NM_001407453.1); and 11 more; short protein forms A1022del, A1145del, A1176del, A1179del, A1204del, A1214del, A1222del, A1246del.
Identifiers: ClinVar variation 4798484 (VCV004798484.1).

ClinVar aggregate classification (germline): Uncertain significance (1 of 4 stars; one submission).

Conditions:
Familial adenomatous polyposis 1 (FAP1). Also called: FAMILIAL ADENOMATOUS POLYPOSIS 1, ATTENUATED; POLYPOSIS, ADENOMATOUS INTESTINAL. Identifiers: MedGen C2713442, MONDO:0021056, OMIM 175100. Disease mechanism: loss of function.

Submission:

Labcorp Genetics (formerly Invitae), Labcorp
Classification: Uncertain significance for Familial adenomatous polyposis 1. Last evaluated: 2025-07-24. Review status: criteria provided, single submitter. Criteria: Invitae Variant Classification Sherloc (09022015). Collection method: clinical testing. Allele origin: germline.
Comment: This variant, c.3914_3916del, results in the deletion of 1 amino acid(s) of the APC protein (p.Ala1305del), but otherwise preserves the integrity of the reading frame. This variant is present in population databases (rs762643382, gnomAD 0.0009%). This variant has not been reported in the literature in individuals affected with APC-related conditions. Experimental studies and prediction algorithms are not available or were not evaluated, and the functional significance of this variant is currently unknown. In summary, the available evidence is currently insufficient to determine the role of this variant in disease. Therefore, it has been classified as a Variant of Uncertain Significance.